The following is an entry in ClinVar:

ClinVar aggregate classification (germline): Uncertain significance (1 of 4 stars; one submission).

Conditions:
Fanconi anemia complementation group O. Also called: RAD51C-Related Fanconi Anemia. Identifiers: Orphanet 84, MedGen C3150653, MONDO:0013248, OMIM 613390.

Submission:

Labcorp Genetics (formerly Invitae), Labcorp
Classification: Uncertain significance for Fanconi anemia complementation group O. Last evaluated: 2020-07-29. Review status: criteria provided, single submitter. Criteria: Invitae Variant Classification Sherloc (09022015). Collection method: clinical testing. Allele origin: germline.
Comment: This sequence change replaces methionine with valine at codon 269 of the RAD51C protein (p.Met269Val). The methionine residue is weakly conserved and there is a small physicochemical difference between methionine and valine. This variant is not present in population databases (ExAC no frequency). This variant has not been reported in the literature in individuals with RAD51C-related disease. Algorithms developed to predict the effect of missense changes on protein structure and function do not agree on the potential impact of this missense change (SIFT: "Deleterious"; PolyPhen-2: "Benign"; Align-GVGD: "Class C0"). In summary, the available evidence is currently insufficient to determine the role of this variant in disease. Therefore, it has been classified as a Variant of Uncertain Significance.

NM_058216.3(RAD51C):c.805A>G (p.Met269Val)

Gene: RAD51C (RAD51 paralog C; plus strand). Cytogenetic location: 17q22.
Variant type: single nucleotide variant.
Coding change: c.805A>G on transcript NM_058216.3 (MANE Select); coding-DNA position 805, A replaced by G.
Protein change: p.Met269Val; replaces methionine 269 with valine.
Molecular consequence: missense variant. On other transcripts: non-coding transcript variant (1).
Genome position (GRCh38, 1-based): chr17:58,709,958, A>G. VCF-style: chr17-58709958-A-G. GRCh37 (hg19) VCF-style: chr17-56787319-A-G.
Other names: short protein forms M269V.
Identifiers: ClinVar variation 583145 (VCV000583145.8), dbSNP rs878855181, ClinGen allele CA400354172.